The following is an entry in ClinVar:

NM_178857.6(RP1L1):c.6845C>T (p.Ser2282Phe)

Gene: RP1L1 (RP1 like 1). Cytogenetic location: 8p23.1.
Variant type: single nucleotide variant.
Coding change: c.6845C>T on transcript NM_178857.6 (MANE Select); coding-DNA position 6845, C replaced by T.
Protein change: p.Ser2282Phe; replaces serine 2282 with phenylalanine.
Molecular consequence: missense variant.
Genome position (GRCh38, 1-based): chr8:10,607,253, G>A on the plus strand (C>T on the coding strand, the complement: RP1L1 is on the minus strand). VCF-style: chr8-10607253-G-A. GRCh37 (hg19) VCF-style: chr8-10464763-G-A.
Other names: c.6845C>T (NM_178857.5); short protein forms S2282F.
Identifiers: ClinVar variation 4822545 (VCV004822545.6).
Genomic context (GRCh38, chr8:10,607,253, plus strand): 5'-CTGGAGGAGGAAGGGCCTGTTTGGGAGCCTGGCCTTTGGTGGGGAGTGTCTCCACCTGGG[G>A]AAGGGGGTGGAGTGGGCCTGTCCTCAGGGACTGGGCTGCTGCTTTCAGAAGCCTCCTCAG-3'
Protein context (NP_849188.4, residues 2272-2292): VPEDRPTPPP[Ser2282Phe]PGGDTPHQRP

ClinVar aggregate classification (germline): Conflicting classifications of pathogenicity. Review status: criteria provided, conflicting classifications (1 of 4 stars). 3 submissions from 3 submitters: Uncertain significance (1); Likely benign (2). Last evaluated 2026-08-28.

Conditions:
RP1L1-related disorder. Also called: RP1L1-related condition.

gnomAD v4.1: 50 of 1,614,056 alleles (0.0031%); highest among the groups gnomAD compares: African/African-American, 0.057%; no homozygotes.

Submissions (3):

PreventionGenetics, part of Exact Sciences
Classification: Uncertain significance for RP1L1-related condition. Last evaluated: 2026-08-28. Review status: criteria provided, single submitter. Criteria: ACMG Guidelines, 2015. Collection method: clinical testing. Allele origin: germline.
Comment: The RP1L1 c.6845C>T variant is predicted to result in the amino acid substitution p.Ser2282Phe. To our knowledge, this variant has not been reported in the literature. This variant is reported in 0.054% of alleles in individuals of African descent in gnomAD. Although we suspect that this variant may be benign, at this time, the clinical significance of this variant is uncertain due to the absence of conclusive functional and genetic evidence.

CeGaT Center for Human Genetics Tuebingen
Classification: Likely benign. Last evaluated: 2026-01-01. Review status: criteria provided, single submitter. Criteria: CeGaT Center For Human Genetics Tuebingen Variant Classification Criteria Version 2. Collection method: clinical testing. Allele origin: germline. Affected: yes. Observed: 1 variant allele.
Comment: RP1L1: BP4

Blueprint Genetics
Classification: Likely benign. Last evaluated: 2022-05-12. Review status: criteria provided, single submitter. Criteria: ACMG Guidelines, 2015. Collection method: clinical testing. Allele origin: germline.